The following is an entry in ClinVar:

NM_014875.3(KIF14):c.1658A>G (p.Asn553Ser)

Gene: KIF14 (kinesin family member 14; minus strand). Cytogenetic location: 1q32.1.
Variant type: single nucleotide variant.
Coding change: c.1658A>G on transcript NM_014875.3 (MANE Select); coding-DNA position 1658, A replaced by G.
Protein change: p.Asn553Ser; replaces asparagine 553 with serine.
Molecular consequence: missense variant.
Genome position (GRCh38, 1-based): chr1:200,605,371, T>C on the plus strand (A>G on the coding strand, the complement: KIF14 is on the minus strand). VCF-style: chr1-200605371-T-C. GRCh37 (hg19) VCF-style: chr1-200574499-T-C.
Other names: c.185A>G, p.Asn62Ser (NM_001305792.1); short protein forms N62S, N553S.
Identifiers: ClinVar variation 788768 (VCV000788768.39), dbSNP rs144267058, ClinGen allele CA1317749.

ClinVar aggregate classification (germline): Likely benign. Review status: criteria provided, multiple submitters, no conflicts (2 of 4 stars). 5 submissions from 5 submitters: Likely benign (4). 1 of the submissions does not count toward it. Last evaluated 2026-05-01.

Conditions:
KIF14-related disorder. Also called: KIF14-related condition.

Allele frequency attached by ClinVar (database versions not stated): 1000 Genomes Project 0.00120; 1000 Genomes Project 30x 0.00125; ExAC 0.00133; ESP Exome Variant Server 0.00154; gnomAD 0.00156 and 0.00165; gnomAD exomes 0.00156 and 0.00203; TOPMed 0.00192.
gnomAD v4.1: 3,182 of 1,613,266 alleles (0.2%); highest among the groups gnomAD compares: Admixed American, 0.33%; 10 homozygotes.

Submissions (7):

CeGaT Center for Human Genetics Tuebingen
Classification: Likely benign. Last evaluated: 2026-05-01. Review status: criteria provided, single submitter. Criteria: CeGaT Center For Human Genetics Tuebingen Variant Classification Criteria Version 2. Collection method: clinical testing. Allele origin: germline. Affected: yes. Observed: 6 variant alleles.
Comment: KIF14: BP4, BS2

Labcorp Genetics (formerly Invitae), Labcorp
Classification: Likely benign. Last evaluated: 2026-02-02. Review status: criteria provided, single submitter. Criteria: Invitae Variant Classification Sherloc (09022015). Collection method: clinical testing. Allele origin: germline.

Blueprint Genetics
Classification: Likely benign. Last evaluated: 2024-11-26. Review status: criteria provided, single submitter. Criteria: ACMG Guidelines, 2015. Collection method: clinical testing. Allele origin: germline.

Breakthrough Genomics
Classification: Likely benign. Review status: criteria provided, single submitter. Criteria: ACMG Guidelines, 2015. Collection method: not provided. Allele origin: germline. Inheritance: Autosomal recessive inheritance. Affected: yes.

PreventionGenetics, part of Exact Sciences
Classification: Likely benign for KIF14-related condition. Last evaluated: 2022-02-10. Review status: no assertion criteria provided. Collection method: clinical testing. Allele origin: germline. Not counted in ClinVar's aggregate classification.
Comment: This variant is classified as likely benign based on ACMG/AMP sequence variant interpretation guidelines (Richards et al. 2015 PMID: 25741868, with internal and published modifications).

Dr. Peter K. Rogan Lab, Western University
No classification provided (evidence only). Condition: Acute myeloid leukemia. Review status: no classification provided. Collection method: in vitro. Allele origin: not applicable. Functional consequence: retained intron. Not counted in ClinVar's aggregate classification.

Dr. Peter K. Rogan Lab, Western University
No classification provided (evidence only). Condition: Cervical cancer. Review status: no classification provided. Collection method: in vitro. Allele origin: not applicable. Functional consequence: skipped exon, retained intron. Not counted in ClinVar's aggregate classification.